The following is an entry in ClinVar:

NM_002303.6(LEPR):c.1568A>G (p.Asp523Gly)

Gene: LEPR (leptin receptor; plus strand). Cytogenetic location: 1p31.3.
Variant type: single nucleotide variant.
Coding change: c.1568A>G on transcript NM_002303.6 (MANE Select); coding-DNA position 1568, A replaced by G.
Protein change: p.Asp523Gly; replaces aspartic acid 523 with glycine.
Molecular consequence: missense variant.
Genome position (GRCh38, 1-based): chr1:65,605,202, A>G. VCF-style: chr1-65605202-A-G. GRCh37 (hg19) VCF-style: chr1-66070885-A-G.
Other names: c.1568A>G, p.Asp523Gly (NM_001003679.3, NM_001003680.3, NM_001198687.2 and 2 more transcripts); short protein forms D523G.
Identifiers: ClinVar variation 4992988 (VCV004992988.1).

ClinVar aggregate classification (germline): Uncertain significance (1 of 4 stars; one submission).

Conditions:
LEPR-related disorder. Also called: LEPR-related disorders; LEPR-related condition.

gnomAD v4.1: 3 of 1,613,776 alleles (0.00019%); highest among the groups gnomAD compares: Admixed American, 0.005%; no homozygotes.

Submission:

PreventionGenetics, part of Exact Sciences
Classification: Uncertain significance for LEPR-related condition. Last evaluated: 2026-08-06. Review status: criteria provided, single submitter. Criteria: ACMG Guidelines, 2015. Collection method: clinical testing. Allele origin: germline.
Comment: The LEPR c.1568A>G variant is predicted to result in the amino acid substitution p.Asp523Gly. To our knowledge, this variant has not been reported in the literature. This variant is reported in 0.0058% of alleles in individuals of Latino descent in gnomAD. At this time, the clinical significance of this variant is uncertain due to the absence of conclusive functional and genetic evidence.